The following is an entry in ClinVar:

NM_003816.3(ADAM9):c.97+4G>T

Genes: ADAM9 (ADAM metallopeptidase domain 9; plus strand), LOC130000261 (ATAC-STARR-seq lymphoblastoid active region 27275; plus strand). Cytogenetic location: 8p11.22.
Variant type: single nucleotide variant.
Coding change: c.97+4G>T on transcript NM_003816.3 (MANE Select); 4 bases into the intron after coding-DNA position 97, G replaced by T.
Molecular consequence: intron variant.
Genome position (GRCh38, 1-based): chr8:38,997,164, G>T. VCF-style: chr8-38997164-G-T. GRCh37 (hg19) VCF-style: chr8-38854683-G-T.
Identifiers: ClinVar variation 1047188 (VCV001047188.4), dbSNP rs775579747, ClinGen allele CA4721194.
Genomic context (GRCh38, chr8:38,997,164, plus strand): 5'-TCCGGTGGTTGCTGTTGCTTGGCCTGGTGGGCCCAGTCCTCGGTGCGGCGCGGCCAGGTG[G>T]GTGTCCGCGCCCCGGGTCGGTTGGGACGGCTGCTTCCTAGGGACGGGGCGCTCGGAGTGA-3'

ClinVar aggregate classification (germline): Uncertain significance (1 of 4 stars; one submission).

Allele frequency attached by ClinVar (database versions not stated): gnomAD 0.00001; TOPMed 0.00002; gnomAD exomes 0.00003 and 0.00007; ExAC 0.00008.
gnomAD v4.1: 94 of 1,597,026 alleles (0.0059%); highest among the groups gnomAD compares: Non-Finnish European, 0.0072%; no homozygotes.

Submission:

Labcorp Genetics (formerly Invitae), Labcorp
Classification: Uncertain significance. Last evaluated: 2024-10-08. Review status: criteria provided, single submitter. Criteria: Invitae Variant Classification Sherloc (09022015). Collection method: clinical testing. Allele origin: germline.
Comment: This sequence change falls in intron 1 of the ADAM9 gene. It does not directly change the encoded amino acid sequence of the ADAM9 protein. It affects a nucleotide within the consensus splice site. This variant is present in population databases (rs775579747, gnomAD 0.006%). This variant has not been reported in the literature in individuals affected with ADAM9-related conditions. ClinVar contains an entry for this variant (Variation ID: 1047188). Variants that disrupt the consensus splice site are a relatively common cause of aberrant splicing (PMID: 17576681, 9536098). Algorithms developed to predict the effect of sequence changes on RNA splicing suggest that this variant is not likely to affect RNA splicing. In summary, the available evidence is currently insufficient to determine the role of this variant in disease. Therefore, it has been classified as a Variant of Uncertain Significance.

Literature cited by the submitters: PubMed 17576681; PubMed 9536098.